The following is an entry in ClinVar:

ClinVar aggregate classification (germline): Conflicting classifications of pathogenicity. Review status: criteria provided, conflicting classifications (1 of 4 stars). 4 submissions from 4 submitters: Uncertain significance (2); Likely benign (1). 1 of the submissions does not count toward it. Last evaluated 2022-07-20.

Conditions:
Cardiovascular phenotype. Identifiers: MedGen CN230736.
Alstrom syndrome (ALMS). Identifiers: Orphanet 64, MedGen C0268425, MONDO:0008763, OMIM 203800.

Allele frequency attached by ClinVar (database versions not stated): gnomAD exomes 0.00006 and 0.00001; gnomAD 0.00002 and 0.00003; TOPMed 0.00002; ExAC 0.00003.
gnomAD v4.1: 20 of 1,614,056 alleles (0.0012%); highest among the groups gnomAD compares: East Asian, 0.045%; no homozygotes.

Submissions (4):

Blueprint Genetics
Classification: Uncertain significance. Last evaluated: 2022-07-20. Review status: criteria provided, single submitter. Criteria: ACMG Guidelines, 2015. Collection method: clinical testing. Allele origin: germline.

Labcorp Genetics (formerly Invitae), Labcorp
Classification: Uncertain significance for Alstrom syndrome. Last evaluated: 2022-07-12. Review status: criteria provided, single submitter. Criteria: Invitae Variant Classification Sherloc (09022015). Collection method: clinical testing. Allele origin: germline.
Comment: This sequence change replaces valine, which is neutral and non-polar, with alanine, which is neutral and non-polar, at codon 1923 of the ALMS1 protein (p.Val1923Ala). This variant is present in population databases (rs761428155, gnomAD 0.1%). This missense change has been observed in individual(s) with polycystic ovary syndrome (PMID: 34147365). This variant is also known as p.V1921A. ClinVar contains an entry for this variant (Variation ID: 990690). Algorithms developed to predict the effect of missense changes on protein structure and function output the following: SIFT: "Not Available"; PolyPhen-2: "Not Available"; Align-GVGD: "Not Available". The alanine amino acid residue is found in multiple mammalian species, which suggests that this missense change does not adversely affect protein function. In summary, the available evidence is currently insufficient to determine the role of this variant in disease. Therefore, it has been classified as a Variant of Uncertain Significance.

Ambry Genetics
Classification: Likely benign for Cardiovascular phenotype. Last evaluated: 2021-07-13. Review status: criteria provided, single submitter. Criteria: Ambry Variant Classification Scheme 2023. Collection method: clinical testing. Allele origin: germline.

Natera, Inc.
Classification: Likely benign for Alstrom syndrome. Last evaluated: 2020-04-30. Review status: no assertion criteria provided. Collection method: clinical testing. Allele origin: germline. Not counted in ClinVar's aggregate classification.

Literature cited by the submitters: PubMed 34147365 (cited by Labcorp Genetics (formerly Invitae), Labcorp).

NM_001378454.1(ALMS1):c.5765T>C (p.Val1922Ala)

Gene: ALMS1 (ALMS1 centrosome and basal body associated protein; plus strand). Cytogenetic location: 2p13.1.
Variant type: single nucleotide variant.
Coding change: c.5765T>C on transcript NM_001378454.1 (MANE Select); coding-DNA position 5765, T replaced by C.
Protein change: p.Val1922Ala; replaces valine 1922 with alanine.
Molecular consequence: missense variant.
Genome position (GRCh38, 1-based): chr2:73,452,292, T>C. VCF-style: chr2-73452292-T-C. GRCh37 (hg19) VCF-style: chr2-73679419-T-C.
Other names: c.5768T>C, p.Val1923Ala (NM_015120.4); short protein forms V1922A, V1923A.
Identifiers: ClinVar variation 990690 (VCV000990690.7), dbSNP rs761428155, ClinGen allele CA1713933.
Genomic context (GRCh38, chr2:73,452,292, plus strand): 5'-CCAGTATTTTTCATCAGCAGGAGTTGCCAGATGTTACTGAAGAAGCTTTAAATGTTTTTG[T>C]TGTTCCTGGACAAGGTGACCGGAAGACTGAGATACCAACAGTACCTTTAAGTTACTACTC-3'
Protein context (NP_001365383.1, residues 1912-1932): DVTEEALNVF[Val1922Ala]VPGQGDRKTE